The following is an entry in ClinVar:

NM_001204.7(BMPR2):c.1325A>T (p.Asn442Ile)

Gene: BMPR2 (bone morphogenetic protein receptor type 2; plus strand). Cytogenetic location: 2q33.2.
Variant type: single nucleotide variant.
Coding change: c.1325A>T on transcript NM_001204.7 (MANE Select); coding-DNA position 1325, A replaced by T.
Protein change: p.Asn442Ile; replaces asparagine 442 with isoleucine.
Molecular consequence: missense variant.
Genome position (GRCh38, 1-based): chr2:202,542,359, A>T. VCF-style: chr2-202542359-A-T. GRCh37 (hg19) VCF-style: chr2-203407082-A-T.
Other names: short protein forms N442I.
Identifiers: ClinVar variation 4867652 (VCV004867652.1).

ClinVar aggregate classification (germline): Uncertain significance (1 of 4 stars; one submission).

Conditions:
Inborn genetic diseases. Identifiers: MedGen C0950123, MeSH D030342.

gnomAD v4.1: 1 of 1,614,108 alleles (0.000062%); highest among the groups gnomAD compares: Admixed American, 0.0017%; no homozygotes.

Submission:

Ambry Genetics
Classification: Uncertain significance for Inborn genetic diseases. Last evaluated: 2026-06-03. Review status: criteria provided, single submitter. Criteria: Ambry Variant Classification Scheme 2023. Collection method: clinical testing. Allele origin: germline.
Comment: The p.N442I variant (also known as c.1325A>T), located in coding exon 10 of the BMPR2 gene, results from an A to T substitution at nucleotide position 1325. The asparagine at codon 442 is replaced by isoleucine, an amino acid with dissimilar properties. This amino acid position is conserved. In addition, this alteration is predicted to be deleterious by in silico analysis. Based on the available evidence, the clinical significance of this variant remains unclear.